The following is an entry in ClinVar:

ClinVar aggregate classification (germline): Pathogenic (1 of 4 stars; one submission).

Conditions:
Marfan syndrome (MFS). Also called: MARFAN SYNDROME, TYPE I; Marfan syndrome type 1; Marfan's syndrome; Marfan syndrome, classic; FBN1-Related Marfan Syndrome. Identifiers: Orphanet 284963, Orphanet 558, MedGen C0024796, MONDO:0007947, OMIM 154700.
Familial thoracic aortic aneurysm and aortic dissection (TAAD). Also called: Thoracic aortic aneurysms and dissections. Identifiers: Orphanet 91387, MedGen C4707243, MONDO:0019625.

Submission:

Labcorp Genetics (formerly Invitae), Labcorp
Classification: Pathogenic for Marfan syndrome; Familial thoracic aortic aneurysm and aortic dissection. Last evaluated: 2021-12-22. Review status: criteria provided, single submitter. Criteria: Invitae Variant Classification Sherloc (09022015). Collection method: clinical testing. Allele origin: germline.
Comment: For these reasons, this variant has been classified as Pathogenic. This premature translational stop signal has been observed in individual(s) with Marfan syndrome (Invitae). This variant is not present in population databases (gnomAD no frequency). This sequence change creates a premature translational stop signal (p.Ile202Leufs*128) in the FBN1 gene. It is expected to result in an absent or disrupted protein product. Loss-of-function variants in FBN1 are known to be pathogenic (PMID: 17657824, 19293843).

Literature cited by the submitters: PubMed 17657824; PubMed 19293843.

NM_000138.5(FBN1):c.603del (p.Ile202fs)

Gene: FBN1 (fibrillin 1; minus strand). Cytogenetic location: 15q21.1.
Variant type: Deletion.
Coding change: c.603del on transcript NM_000138.5 (MANE Select); coding-DNA position 603, one base deleted (G; older notation c.603delG).
Protein change: p.Ile202fs; shifts the reading frame from isoleucine 202.
Molecular consequence: frameshift variant.
Genome position (GRCh38, 1-based): chr15:48,537,744, C deleted on the plus strand (G on the coding strand, the reverse complement: FBN1 is on the minus strand); the first of 3 consecutive C bases (chr15:48,537,744-48,537,746); deleting any one gives the same sequence. VCF-style (leftmost placement, unchanged base first): chr15-48537743-TC-T. GRCh37 (hg19) VCF-style: chr15-48829940-TC-T.
Other names: short protein forms I202fs.
Identifiers: ClinVar variation 1452281 (VCV001452281.6), dbSNP rs2141358361, ClinGen allele CA2573150828.